The following is an entry in ClinVar:

ClinVar aggregate classification (germline): Uncertain significance (1 of 4 stars; one submission).

Submission:

Labcorp Genetics (formerly Invitae), Labcorp
Classification: Uncertain significance. Last evaluated: 2024-02-23. Review status: criteria provided, single submitter. Criteria: Invitae Variant Classification Sherloc (09022015). Collection method: clinical testing. Allele origin: germline.
Comment: This sequence change replaces lysine, which is basic and polar, with arginine, which is basic and polar, at codon 1107 of the MYH3 protein (p.Lys1107Arg). This variant is not present in population databases (gnomAD no frequency). This variant has not been reported in the literature in individuals affected with MYH3-related conditions. Advanced modeling of protein sequence and biophysical properties (such as structural, functional, and spatial information, amino acid conservation, physicochemical variation, residue mobility, and thermodynamic stability) performed at Invitae indicates that this missense variant is not expected to disrupt MYH3 protein function with a negative predictive value of 95%. In summary, the available evidence is currently insufficient to determine the role of this variant in disease. Therefore, it has been classified as a Variant of Uncertain Significance.

NM_002470.4(MYH3):c.3320A>G (p.Lys1107Arg)

Gene: MYH3 (myosin heavy chain 3; minus strand). Cytogenetic location: 17p13.1.
Variant type: single nucleotide variant.
Coding change: c.3320A>G on transcript NM_002470.4 (MANE Select); coding-DNA position 3320, A replaced by G.
Protein change: p.Lys1107Arg; replaces lysine 1107 with arginine.
Molecular consequence: missense variant.
Genome position (GRCh38, 1-based): chr17:10,638,892, T>C on the plus strand (A>G on the coding strand, the complement: MYH3 is on the minus strand). VCF-style: chr17-10638892-T-C. GRCh37 (hg19) VCF-style: chr17-10542209-T-C.
Other names: short protein forms K1107R.
Identifiers: ClinVar variation 2706975 (VCV002706975.3), dbSNP rs2508595807, ClinGen allele CA398153215.